The following is an entry in ClinVar:

NM_000218.3(KCNQ1):c.1394-1237A>G

Genes: KCNQ1 (potassium voltage-gated channel subfamily Q member 1; plus strand), KCNQ1OT1 (KCNQ1 opposite strand/antisense transcript 1; minus strand). Cytogenetic location: 11p15.5.
Variant type: single nucleotide variant.
Coding change: c.1394-1237A>G on transcript NM_000218.3 (MANE Select); 1237 bases into the intron before coding-DNA position 1394, A replaced by G.
Molecular consequence: intron variant. On other transcripts: non-coding transcript variant (1).
Genome position (GRCh38, 1-based): chr11:2,660,724, A>G. VCF-style: chr11-2660724-A-G. GRCh37 (hg19) VCF-style: chr11-2681954-A-G.
Other names: c.1124-1237A>G (NM_001406837.1); c.1298-1237A>G (NM_001406836.1); c.854-1237A>G (NM_001406838.1); c.1013-1237A>G (NM_181798.2).
Identifiers: ClinVar variation 5039572 (VCV005039572.1).

ClinVar aggregate classification (germline): Likely benign (1 of 4 stars; one submission).

gnomAD v4.1: 517 of 398,646 alleles (0.13%); highest among the groups gnomAD compares: African/African-American, 0.96%; 5 homozygotes.

Submission:

CeGaT Center for Human Genetics Tuebingen
Classification: Likely benign. Last evaluated: 2026-09-01. Review status: criteria provided, single submitter. Criteria: CeGaT Center For Human Genetics Tuebingen Variant Classification Criteria Version 2. Collection method: clinical testing. Allele origin: germline. Affected: yes. Observed: 4 variant alleles.
Comment: KCNQ1OT1: BS2